The following is an entry in ClinVar:

ClinVar aggregate classification (germline): Likely benign (1 of 4 stars; one submission).

Submission:

GeneDx
Classification: Likely benign. Last evaluated: 2017-06-02. Review status: criteria provided, single submitter. Criteria: GeneDx Variant Classification (06012015). Collection method: clinical testing. Allele origin: germline. Affected: yes.
Comment: This variant is considered likely benign or benign based on one or more of the following criteria: it is a conservative change, it occurs at a poorly conserved position in the protein, it is predicted to be benign by multiple in silico algorithms, and/or has population frequency not consistent with disease.

NM_015443.4(KANSL1):c.-49CTCGGC[1]

Gene: KANSL1 (KAT8 regulatory NSL complex subunit 1). Cytogenetic location: 17q21.31.
Variant type: Microsatellite.
Coding change: c.-49CTCGGC[1] on transcript NM_015443.4 (MANE Select); one copy of the 6-base unit CTCGGC starting at c.-49.
Molecular consequence: 5 prime UTR variant.
Genome position: GRCh38 VCF-style: chr17-46172180-TGCCGAG-T. GRCh37 (hg19) VCF-style: chr17-44249546-TGCCGAG-T.
Other names: c.-49CTCGGC[1] (NM_001193465.2, NM_001193466.2, NM_001379198.1).
Identifiers: ClinVar variation 421565 (VCV000421565.1), dbSNP rs769218713, ClinGen allele CA8619143.